The following is an entry in ClinVar:

ClinVar aggregate classification (germline): Likely pathogenic (1 of 4 stars; one submission).

Conditions:
Vascular malformation. Also called: Vascular malformations. Identifiers: MedGen C0158570, MONDO:0024291.

Submission:

Clinical Genomics Laboratory, Washington University in St. Louis
Classification: Likely pathogenic for Vascular malformation. Last evaluated: 2024-08-06. Review status: criteria provided, single submitter. Criteria: Leon-Quintero et al. (Clin Genet. 2025). Collection method: clinical testing. Allele origin: somatic. Affected: yes.
Comment: A KRAS c.187_207dup (p.Glu63_Asp69dup) was identified at an allelic fraction consistent with somatic origin. This variant has been reported in an individual affected with arteriovenous malformation (Eijkelenboom A et al., PMID: 31160609). In addition, many other in-frame insertions and/or deletions in this region have been identified in individuals with disorders of somatic mosaicism (Hou et al., PMID: 36571464). This variant is absent from the general population (gnomAD v.4.1.0), indicating it is not a common variant. This variant resides within a region, the switch II domain, amino acids 59-67, of KRAS that is defined as a critical functional domain (Eijkelenboom A et al., PMID: 31160609; Hou et al., PMID: 36571464; Gelb B et al., PMID: 29493581). The KRAS c.187_207dup (p.Glu63_Asp69dup) variant is predicted to cause a change in the length of the protein due to an in-frame duplication of seven amino acids in a non-repeat region. Based on available information and an internally developed protocol informed by the ACMG/AMP guidelines for variant interpretation and gene-specific practices from the ClinGen Criteria Specification Registry (Leon-Quintero FZ et al., PMID: 39434542), the KRAS c.187_207dup (p.Glu63_Asp69dup) variant is classified as likely pathogenic.

NM_004985.5(KRAS):c.187_207dup (p.Asp69_Gln70insGluTyrSerAlaMetArgAsp)

Gene: KRAS (KRAS proto-oncogene, GTPase; minus strand). Cytogenetic location: 12p12.1.
Variant type: Duplication.
Coding change: c.187_207dup on transcript NM_004985.5 (MANE Select); coding-DNA positions 187 to 207, 21 bases duplicated (GAGTACAGTGCAATGAGGGAC).
Protein change: p.Asp69_Gln70insGluTyrSerAlaMetArgAsp.
Genome position (GRCh38, 1-based): chr12:25,227,317-25,227,337, GTCCCTCATTGCACTGTACTC duplicated on the plus strand (GAGTACAGTGCAATGAGGGAC on the coding strand, the reverse complement: KRAS is on the minus strand). VCF-style (leftmost placement, unchanged base first): chr12-25227316-G-GGTCCCTCATTGCACTGTACTC. GRCh37 (hg19) VCF-style: chr12-25380250-G-GGTCCCTCATTGCACTGTACTC.
Other names: c.187_207dup, p.Asp69_Gln70insGluTyrSerAlaMetArgAsp (NM_001369786.1, NM_001369787.1, NM_033360.4).
Identifiers: ClinVar variation 3774507 (VCV003774507.1).